The following is an entry in ClinVar:

NM_002185.5(IL7R):c.379G>A (p.Val127Ile)

Gene: IL7R (interleukin 7 receptor; plus strand). Cytogenetic location: 5p13.2.
Variant type: single nucleotide variant.
Coding change: c.379G>A on transcript NM_002185.5 (MANE Select); coding-DNA position 379, G replaced by A.
Protein change: p.Val127Ile; replaces valine 127 with isoleucine.
Molecular consequence: missense variant. On other transcripts: non-coding transcript variant (1).
Genome position (GRCh38, 1-based): chr5:35,867,463, G>A. VCF-style: chr5-35867463-G-A. GRCh37 (hg19) VCF-style: chr5-35867565-G-A.
Other names: IL7R, 379G-A; NM_002185.5(IL7R):c.379G>A; p.Val127Ile; c.379G>A, p.Val127Ile (NM_001410734.1); short protein forms V127I.
Identifiers: ClinVar variation 1339483 (VCV001339483.9), dbSNP rs1759969389, ClinGen allele CA359428682.

ClinVar aggregate classification (germline): Pathogenic. Review status: reviewed by expert panel (3 of 4 stars). 3 submissions from 3 submitters: Pathogenic (1). 2 of the submissions do not count toward it. Last evaluated 2024-02-01.

Conditions:
Immunodeficiency 104. Also called: Severe combined immunodeficiency, autosomal recessive, T cell-negative, B cell-positive, NK cell-positive; Severe Combined Immune Deficiency, Autosomal Recessive, TCell -Negative, B Cell-Positive, NK Cell-Positive, IL7R-Related; IMMUNODEFICIENCY 104, SEVERE COMBINED; SCID, AUTOSOMAL RECESSIVE, T CELL-NEGATIVE, B CELL-POSITIVE, NK CELL-POSITIVE. Identifiers: MedGen C5676890, MONDO:0012163, OMIM 608971.

Allele frequency attached by ClinVar (database versions not stated): gnomAD exomes below 0.00001; TOPMed below 0.00001.
gnomAD v4.1: 3 of 1,611,540 alleles (0.00019%); highest among the groups gnomAD compares: East Asian, 0.0022%; no homozygotes.

Submissions (3):

ClinGen Severe Combined Immunodeficiency Variant Curation Expert Panel, ClinGen
Classification: Pathogenic for Immunodeficiency 104. Last evaluated: 2024-02-01. Review status: reviewed by expert panel. Criteria: ClinGen SCID ACMG Specifications IL7R V1.0.0. Collection method: curation. Allele origin: germline. Inheritance: Autosomal recessive inheritance.
Comment: NM_002185.5(IL7R):c.379G>A is a missense variant predicted to cause substitution of Valine by Isoleucine at amino acid 127 (p.Val127Ile). The highest population minor allele frequency in gnomAD v4 is 0.00002991 (1/33436) in African/African American population which is lower than the ClinGen SCID VCEP threshold (<0.00004129) for PM2_Supporting, meeting this criterion (PM2_Supporting). c.379G>A mutation in IL7R abolishes splicing of exons 3-4 and replaces it with splicing of exons 2-4, which introduces a STOP site resulting in premature termination of IL-7Ra translation (Nonsense mediated decay) (PVS1) PMID: 35418989. (PP4_met ; PMID: 35418989).The patient (PMID: 35418989) was found homozygous for the mutation (0.5 pt.) (PM3_supporting). In summary, this variant meets the criteria to be classified as a Pathogenic variant for autosomal recessive severe combined immunodeficiency due to IL7R deficiency based on the ACMG/AMP criteria applied, as specified by the ClinGen SCID VCEP: PM2_supporting,PVS1, PP4_met,PM3_supporting (VCEP specifications version 1).

Massaad Lab, American University of Beirut
Classification: Pathogenic for Immunodeficiency 104. Last evaluated: 2021-07-07. Review status: criteria provided, single submitter. Criteria: ACMG Guidelines, 2015. Collection method: research. Allele origin: biparental, not applicable. Inheritance: Autosomal recessive inheritance. Affected: yes. Observed: 1 homozygote. Functional consequence: effect on RNA splicing. Not counted in ClinVar's aggregate classification.
Comment: The homozygous c.379G>A variant that we identified is a novel pathogenic mutation that results in aberrant IL7RA RNA splicing, absent IL-7Ra expression, and defective T cell production and function. The mutated residue is the last nucleotide at the 3' end of exon 3. It was reported in the annotation file of the sequence that it causes the change of a valine to isoleucine at position 127 of the protein (p.V127I). However, our molecular and functional studies showed that the mutated residue affect the splice donor site of intron 3, abolishing splicing of exon 3 to exon 4, replacing it by splicing of exon 2 to exon 4 that resulted in an RNA that lacked exon 3, and the introduction of a STOP signal downstream of cysteine at position 74 (p.C74*) of the protein rather than converting V to I at position 127. This prematurely terminated IL-7Ra translation at p.C74 and abolished IL-7Ra surface expression. Based on these results, we classified the mutation as "pathogenic".

OMIM
Classification: Pathogenic for IMMUNODEFICIENCY 104, SEVERE COMBINED. Last evaluated: 2024-08-28. Review status: no assertion criteria provided. Collection method: literature only. Allele origin: germline. Not counted in ClinVar's aggregate classification.

Literature cited by the submitters: PubMed 35418989 (cited by Massaad Lab, American University of Beirut and OMIM).